The following is an entry in ClinVar:

ClinVar aggregate classification (germline): Likely benign (1 of 4 stars; one submission).

gnomAD v4.1: 387 of 1,604,610 alleles (0.024%); highest among the groups gnomAD compares: African/African-American, 0.3%; 4 homozygotes.

Submission:

CeGaT Center for Human Genetics Tuebingen
Classification: Likely benign. Last evaluated: 2025-07-01. Review status: criteria provided, single submitter. Criteria: CeGaT Center For Human Genetics Tuebingen Variant Classification Criteria Version 2. Collection method: clinical testing. Allele origin: germline. Affected: yes. Observed: 1 variant allele.
Comment: UBC: BP4, BP7

NM_021009.7(UBC):c.1050C>T (p.Ala350=)

Gene: UBC (ubiquitin C; minus strand). Cytogenetic location: 12q24.31.
Variant type: single nucleotide variant.
Coding change: c.1050C>T on transcript NM_021009.7 (MANE Select); coding-DNA position 1050, C replaced by T.
Protein change: p.Ala350=; no amino-acid change (alanine 350 retained).
Molecular consequence: synonymous variant.
Genome position (GRCh38, 1-based): chr12:124,912,722, G>A on the plus strand (C>T on the coding strand, the complement: UBC is on the minus strand). VCF-style: chr12-124912722-G-A. GRCh37 (hg19) VCF-style: chr12-125397268-G-A.
Identifiers: ClinVar variation 4083984 (VCV004083984.8).